The following is an entry in ClinVar:

NM_016507.4(CDK12):c.637G>A (p.Val213Met)

Genes: CDK12 (cyclin dependent kinase 12; plus strand), LOC126862553 (CDK7 strongly-dependent group 2 enhancer GRCh37_chr17:37618166-37619365; plus strand). Cytogenetic location: 17q12.
Variant type: single nucleotide variant.
Coding change: c.637G>A on transcript NM_016507.4 (MANE Select); coding-DNA position 637, G replaced by A.
Protein change: p.Val213Met; replaces valine 213 with methionine.
Molecular consequence: missense variant.
Genome position (GRCh38, 1-based): chr17:39,462,708, G>A. VCF-style: chr17-39462708-G-A. GRCh37 (hg19) VCF-style: chr17-37618961-G-A.
Other names: c.637G>A, p.Val213Met (NM_015083.4); short protein forms V213M.
Identifiers: ClinVar variation 4224292 (VCV004224292.1).
Genomic context (GRCh38, chr17:39,462,708, plus strand): 5'-GGGCACAAAGACCGGAGTAAAAGTCATCGAAAAAGGGAAACACCCAAAAGTTACAAAACA[G>A]TGGACAGCCCAAAACGGAGATCCAGGAGCCCCCACAGGAAGTGGTCTGACAGCTCCAAAC-3'
Protein context (NP_057591.2, residues 203-223): KRETPKSYKT[Val213Met]DSPKRRSRSP

ClinVar aggregate classification (germline): Uncertain significance (1 of 4 stars; one submission).

gnomAD v4.1: 2 of 1,614,230 alleles (0.00012%); highest among the groups gnomAD compares: Non-Finnish European, 0.000085%; no homozygotes.

Submission:

Ambry Genetics
Classification: Uncertain significance. Last evaluated: 2025-07-16. Review status: criteria provided, single submitter. Criteria: Ambry Variant Classification Scheme 2023. Collection method: clinical testing. Allele origin: germline.
Comment: The p.V213M variant (also known as c.637G>A), located in coding exon 1 of the CDK12 gene, results from a G to A substitution at nucleotide position 637. The valine at codon 213 is replaced by methionine, an amino acid with highly similar properties. This amino acid position is conserved. In addition, this alteration is predicted to be tolerated by in silico analysis. Based on the available evidence, the clinical significance of this variant remains unclear.